The following is an entry in ClinVar:

NM_002025.4(AFF2):c.3847C>T (p.Pro1283Ser)

Gene: AFF2 (ALF transcription elongation factor 2; plus strand). Cytogenetic location: Xq28.
Variant type: single nucleotide variant.
Coding change: c.3847C>T on transcript NM_002025.4 (MANE Select); coding-DNA position 3847, C replaced by T.
Protein change: p.Pro1283Ser; replaces proline 1283 with serine.
Molecular consequence: missense variant.
Genome position (GRCh38, 1-based): chrX:148,991,243, C>T. VCF-style: chrX-148991243-C-T. GRCh37 (hg19) VCF-style: chrX-148072773-C-T.
Other names: c.3742C>T, p.Pro1248Ser (NM_001169122.2, NM_001169124.2); c.3817C>T, p.Pro1273Ser (NM_001169123.2); c.3730C>T, p.Pro1244Ser (NM_001169125.2); c.2770C>T, p.Pro924Ser (NM_001170628.1); short protein forms P1283S, P1248S, P924S, P1244S, P1273S.
Identifiers: ClinVar variation 449700 (VCV000449700.2), dbSNP rs1326755554, ClinGen allele CA414517185.

ClinVar aggregate classification (germline): Uncertain significance (1 of 4 stars; one submission).

Allele frequency attached by ClinVar (database versions not stated): TOPMed 0.00001; gnomAD 0.00002; gnomAD exomes 0.00006.
gnomAD v4.1: 70 of 1,206,666 alleles (0.0058%); highest among the groups gnomAD compares: Non-Finnish European, 0.0077%; no homozygotes.

Submission:

GeneDx
Classification: Uncertain significance. Last evaluated: 2017-10-30. Review status: criteria provided, single submitter. Criteria: GeneDx Variant Classification (06012015). Collection method: clinical testing. Allele origin: germline. Affected: yes.
Comment: The P1283S variant has not been published as a pathogenic variant, nor has it been reported as a benign variant to our knowledge. The P1283S variant is not observed in large population cohorts (Lek et al., 2016). The P1283S variant is a non-conservative amino acid substitution, which is likely to impact secondary protein structure as these residues differ in polarity, charge, size and/or other properties. This substitution occurs at a position that is conserved across species, and in silico analysis predicts this variant is probably damaging to the protein structure/function. Based on the currently available information, it is unclear whether this variant is a pathogenic variant or a rare benign variant.